The following is an entry in ClinVar:

NM_014920.5(CILK1):c.1855C>T (p.His619Tyr)

Gene: CILK1 (ciliogenesis associated kinase 1; minus strand). Cytogenetic location: 6p12.1.
Variant type: single nucleotide variant.
Coding change: c.1855C>T on transcript NM_014920.5 (MANE Select); coding-DNA position 1855, C replaced by T.
Protein change: p.His619Tyr; replaces histidine 619 with tyrosine.
Molecular consequence: missense variant. On other transcripts: non-coding transcript variant (1).
Genome position (GRCh38, 1-based): chr6:53,005,193, G>A on the plus strand (C>T on the coding strand, the complement: CILK1 is on the minus strand). VCF-style: chr6-53005193-G-A. GRCh37 (hg19) VCF-style: chr6-52869991-G-A.
Other names: c.1876C>T, p.His626Tyr (NM_001375397.1); c.1855C>T, p.His619Tyr (NM_001375398.1, NM_001375399.1, NM_001375400.1 and 3 more transcripts); short protein forms H619Y, H626Y.
Identifiers: ClinVar variation 3771255 (VCV003771255.13).

ClinVar aggregate classification (germline): Uncertain significance (1 of 4 stars; one submission).

gnomAD v4.1: 8 of 1,614,100 alleles (0.0005%); highest among the groups gnomAD compares: South Asian, 0.0088%; no homozygotes.

Submission:

CeGaT Center for Human Genetics Tuebingen
Classification: Uncertain significance. Last evaluated: 2024-12-01. Review status: criteria provided, single submitter. Criteria: CeGaT Center For Human Genetics Tuebingen Variant Classification Criteria Version 2. Collection method: clinical testing. Allele origin: germline. Affected: yes. Observed: 1 variant allele.
Comment: CILK1: PM2, PP3